The following is an entry in ClinVar:

NM_004006.3(DMD):c.7183G>A (p.Ala2395Thr)

Gene: DMD (dystrophin; minus strand). Cytogenetic location: Xp21.1.
Variant type: single nucleotide variant.
Coding change: c.7183G>A on transcript NM_004006.3 (MANE Select); coding-DNA position 7183, G replaced by A.
Protein change: p.Ala2395Thr; replaces alanine 2395 with threonine.
Molecular consequence: missense variant. On other transcripts: 5 prime UTR variant (5).
Genome position (GRCh38, 1-based): chrX:31,836,735, C>T on the plus strand (G>A on the coding strand, the complement: DMD is on the minus strand). VCF-style: chrX-31836735-C-T. GRCh37 (hg19) VCF-style: chrX-31854852-C-T.
Other names: c.7159G>A, p.Ala2387Thr (NM_000109.4); c.7171G>A, p.Ala2391Thr (NM_004009.3); c.6814G>A, p.Ala2272Thr (NM_004010.3); c.3160G>A, p.Ala1054Thr (NM_004011.4); c.3151G>A, p.Ala1051Thr (NM_004012.4); c.-198G>A (NM_004013.3, NM_004020.4, NM_004021.3 and 2 more transcripts); short protein forms A2395T, A2272T, A2387T, A1051T, A1054T, A2391T.
Identifiers: ClinVar variation 94757 (VCV000094757.68), dbSNP rs72466590, ClinGen allele CA147852.
Genomic context (GRCh38, chrX:31,836,735, plus strand): 5'-CCCATTATGAGGTAATGGATATTGCTAGAGGTTGCTTCATTACCTTCACTGGCTGAGTGG[C>T]TGGTTTTTCCTTGTACAAATGCTGCCCTTTAGACAAAATCTCTTCCACATCCGGTTGTTT-3'
Protein context (NP_003997.2, residues 2385-2405): KGQHLYKEKP[Ala2395Thr]TQPVKRKLED

ClinVar aggregate classification (germline): Conflicting classifications of pathogenicity. Review status: criteria provided, conflicting classifications (1 of 4 stars). 18 submissions from 18 submitters: Uncertain significance (2); Benign (5); Likely benign (8). 3 of the submissions do not count toward it. Last evaluated 2026-08-01.

Conditions:
Cardiovascular phenotype. Identifiers: MedGen CN230736.
Becker muscular dystrophy (BMD). Also called: MUSCULAR DYSTROPHY, PSEUDOHYPERTROPHIC PROGRESSIVE, BECKER TYPE; Becker Muscular Dystrophy (BMD). Identifiers: Orphanet 98895, MedGen C0917713, MONDO:0010311, OMIM 300376.
Dilated cardiomyopathy 3B (CMD3B). Also called: CMD3B: DMD-Related Dilated Cardiomyopathy; CARDIOMYOPATHY, DILATED, X-LINKED; DMD-Associated Dilated Cardiomyopathy. Identifiers: Orphanet 154, MedGen C3668940, MONDO:0010542, OMIM 302045.
Hereditary skeletal muscle disorder. Identifiers: MedGen CN324038, MONDO:0700223.
Duchenne muscular dystrophy (DMD). Also called: MUSCULAR DYSTROPHY, PSEUDOHYPERTROPHIC PROGRESSIVE, DUCHENNE TYPE; Duchenne Muscular Dystrophy (DMD). Identifiers: Orphanet 98896, MedGen C0013264, MONDO:0010679, OMIM 310200.

Allele frequency attached by ClinVar (database versions not stated): 1000 Genomes Project 30x 0.00021; 1000 Genomes Project 0.00026; ExAC 0.00074; gnomAD exomes 0.00087 and 0.00179; TOPMed 0.00125; gnomAD 0.00126 and 0.00129; ESP Exome Variant Server 0.00142.
gnomAD v4.1: 2,101 of 1,209,410 alleles (0.17%); highest among the groups gnomAD compares: Non-Finnish European, 0.22%; 4 homozygotes.

Submissions (18):

CeGaT Center for Human Genetics Tuebingen
Classification: Likely benign. Last evaluated: 2026-08-01. Review status: criteria provided, single submitter. Criteria: CeGaT Center For Human Genetics Tuebingen Variant Classification Criteria Version 2. Collection method: clinical testing. Allele origin: germline. Affected: yes. Observed: 5 variant alleles.
Comment: DMD: BP4, BS2

Labcorp Genetics (formerly Invitae), Labcorp
Classification: Likely benign for Duchenne muscular dystrophy. Last evaluated: 2026-02-02. Review status: criteria provided, single submitter. Criteria: Invitae Variant Classification Sherloc (09022015). Collection method: clinical testing. Allele origin: germline.

Mayo Clinic Laboratories, Mayo Clinic
Classification: Benign. Last evaluated: 2025-09-02. Review status: criteria provided, single submitter. Criteria: ACMG Guidelines, 2015. Collection method: clinical testing. Allele origin: germline. Observed: 7 variant alleles.
Comment: BS1, BS2, BP4

Blueprint Genetics
Classification: Likely benign. Last evaluated: 2024-11-07. Review status: criteria provided, single submitter. Criteria: ACMG Guidelines, 2015. Collection method: clinical testing. Allele origin: germline.

Athena Diagnostics
Classification: Benign. Last evaluated: 2024-03-15. Review status: criteria provided, single submitter. Criteria: Athena Diagnostics Criteria. Collection method: clinical testing. Allele origin: unknown.

ARUP Laboratories, Molecular Genetics and Genomics, ARUP Laboratories
Classification: Benign. Last evaluated: 2022-10-21. Review status: criteria provided, single submitter. Criteria: ARUP Molecular Germline Variant Investigation Process 2021. Collection method: clinical testing. Allele origin: germline.

Women's Health and Genetics/Laboratory Corporation of America, LabCorp
Classification: Likely benign. Last evaluated: 2022-02-03. Review status: criteria provided, single submitter. Criteria: LabCorp Variant Classification Summary - May 2015. Collection method: clinical testing. Allele origin: germline.

GeneDx
Classification: Likely benign. Last evaluated: 2021-05-27. Review status: criteria provided, single submitter. Criteria: GeneDx Variant Classification Process June 2021. Collection method: clinical testing. Allele origin: germline. Affected: yes.
Comment: This variant is associated with the following publications: (PMID: 17259292, 23757202, 25447171, 19937601)

Molecular Diagnostic Laboratory for Inherited Cardiovascular Disease, Montreal Heart Institute
Classification: Likely benign. Last evaluated: 2019-06-10. Review status: criteria provided, single submitter. Criteria: ACMG Guidelines, 2015. Collection method: clinical testing. Allele origin: germline. Affected: yes.

Mendelics
Classification: Benign for Duchenne muscular dystrophy. Last evaluated: 2019-05-28. Review status: criteria provided, single submitter. Criteria: Mendelics Assertion Criteria 2017. Collection method: clinical testing. Allele origin: unknown.

Cambridge Genomics Laboratory, East Genomic Laboratory Hub, NHS Genomic Medicine Service
Classification: Likely benign for Hereditary skeletal muscle disorder. Last evaluated: 2019-04-17. Review status: criteria provided, single submitter. Criteria: ACGS Best Practice Guidelines for Variant Classification in Rare Disease 2020. Collection method: clinical testing. Allele origin: germline. Affected: yes. Observed: 1 variant allele.

Ambry Genetics
Classification: Likely benign for Cardiovascular phenotype. Last evaluated: 2018-10-31. Review status: criteria provided, single submitter. Criteria: Ambry Variant Classification Scheme 2023. Collection method: clinical testing. Allele origin: germline.

Illumina Laboratory Services, Illumina
Classification: Uncertain significance for Dilated cardiomyopathy 3B. Last evaluated: 2017-04-27. Review status: criteria provided, single submitter. Criteria: ICSL Variant Classification Criteria 13 December 2019. Collection method: clinical testing. Allele origin: germline.

Laboratory for Molecular Medicine, Mass General Brigham Personalized Medicine
Classification: Uncertain significance. Last evaluated: 2016-05-18. Review status: criteria provided, single submitter. Criteria: LMM Criteria. Collection method: clinical testing. Allele origin: germline. Observed: 1 variant allele.
Comment: Variant classified as Uncertain Significance - Favor Benign. The p.Ala2395Thr va riant in DMD has been reported in 1 child with unexplained sudden death (Campuza no 2014) and 1 mother of a proband with Duchenne Muscular Dystrophy (Taylor 2007 ). It has also been identified in 0.1% (59/47984) of European chromosomes, inclu ding 22 hemizygotes, by the Exome Aggregation Consortium (ExAC; dbSNP rs72466590). Computational prediction tools and conservati on analysis suggest that the p.Ala2395Thr variant may not impact the protein, th ough this information is not predictive enough to rule out pathogenicity. In sum mary, while the clinical significance of the p.Ala2395Thr variant is uncertain, these data suggest that it is more likely to be benign.

Eurofins Ntd Llc (ga)
Classification: Benign. Last evaluated: 2014-02-26. Review status: criteria provided, single submitter. Criteria: EGL Classification Definitions 2015. Collection method: clinical testing. Allele origin: germline. Observed: 5 variant alleles, 2 homozygotes, 3 hemizygotes.

Clinical Genetics DNA and cytogenetics Diagnostics Lab, Erasmus MC, Erasmus Medical Center
Classification: Likely benign. Review status: no assertion criteria provided. Collection method: clinical testing. Allele origin: germline. Affected: yes. Study: VKGL Data-share Consensus. Not counted in ClinVar's aggregate classification.

Genome Diagnostics Laboratory, University Medical Center Utrecht
Classification: Likely benign. Review status: no assertion criteria provided. Collection method: clinical testing. Allele origin: germline. Affected: yes. Study: VKGL Data-share Consensus. Not counted in ClinVar's aggregate classification.

Laboratory of Diagnostic Genome Analysis, Leiden University Medical Center (LUMC)
Classification: Likely benign. Review status: no assertion criteria provided. Collection method: clinical testing. Allele origin: germline. Affected: yes. Study: VKGL Data-share Consensus. Not counted in ClinVar's aggregate classification.

Literature cited by the submitters: PubMed 19937601 (cited by 3 submitters); PubMed 25447171 (cited by 3 submitters); PubMed 17259292 (cited by Athena Diagnostics and Laboratory for Molecular Medicine, Mass General Brigham Personalized Medicine).